The following is an entry in ClinVar:

ClinVar aggregate classification (germline): Pathogenic (1 of 4 stars; one submission).

Conditions:
Familial cancer of breast. Also called: Hereditary breast cancer; BREAST CANCER, FAMILIAL; hereditary breast carcinoma. Identifiers: Orphanet 227535, MedGen C0346153, MONDO:0016419, OMIM 114480. Disease mechanism: loss of function.

Submission:

Myriad Genetics, Inc.
Classification: Pathogenic for Familial cancer of breast. Last evaluated: 2023-09-14. Review status: criteria provided, single submitter. Criteria: Myriad Autosomal Dominant, Autosomal Recessive and X-Linked Classification Criteria (2023). Collection method: clinical testing. Allele origin: unknown.
Comment: This variant is considered pathogenic. This variant creates a frameshift predicted to result in premature protein truncation.

NM_024675.4(PALB2):c.3048dup (p.Ala1017fs)

Gene: PALB2 (partner and localizer of BRCA2; minus strand). Cytogenetic location: 16p12.2.
Variant type: Duplication.
Coding change: c.3048dup on transcript NM_024675.4 (MANE Select); coding-DNA position 3048, one base duplicated (T; older notation c.3048dupT).
Protein change: p.Ala1017fs; shifts the reading frame from alanine 1017.
Molecular consequence: frameshift variant. On other transcripts: intron variant (1).
Genome position (GRCh38, 1-based): chr16:23,621,427, A duplicated on the plus strand (T on the coding strand, the reverse complement: PALB2 is on the minus strand); the first of 4 consecutive A bases (chr16:23,621,427-23,621,430); duplicating any one gives the same sequence. VCF-style (leftmost placement, unchanged base first): chr16-23621426-C-CA. GRCh37 (hg19) VCF-style: chr16-23632747-C-CA.
Other names: c.2163dup, p.Ala722fs (NM_001407304.1, NM_001407305.1, NM_001407306.1 and 4 more transcripts); c.3048dup, p.Ala1017fs (NM_001407301.1, NM_001407299.1); c.2886dup, p.Ala963fs (NM_001407302.1, NM_001407298.1); c.2976dup, p.Ala993fs (NM_001407297.1); c.2988dup, p.Ala997fs (NM_001407296.1); c.2001dup, p.Ala668fs (NM_001407307.1); c.1260dup, p.Ala421fs (NM_001407312.1, NM_001407313.1); c.582dup, p.Ala195fs (NM_001407314.1); and 1 more; short protein forms A1017fs, A195fs, A421fs, A668fs, A722fs, A963fs, A993fs, A997fs.
Identifiers: ClinVar variation 2674123 (VCV002674123.1), dbSNP rs515726104, ClinGen allele CA2695197583.